The following is an entry in ClinVar:

NM_016492.5(RANGRF):c.64dup (p.Ala22fs)

Genes: RANGRF (RAN guanine nucleotide release factor; plus strand), SLC25A35 (solute carrier family 25 member 35; minus strand). Cytogenetic location: 17p13.1.
Variant type: Duplication.
Coding change: c.64dup on transcript NM_016492.5 (MANE Select); coding-DNA position 64, one base duplicated (G; older notation c.64dupG).
Protein change: p.Ala22fs; shifts the reading frame from alanine 22.
Molecular consequence: frameshift variant. On other transcripts: 3 prime UTR variant (1), non-coding transcript variant (1), intron variant (1).
Genome position (GRCh38, 1-based): chr17:8,288,852, G duplicated; the last of 5 consecutive G bases (chr17:8,288,848-8,288,852); duplicating any one gives the same sequence. VCF-style (leftmost placement, unchanged base first): chr17-8288847-T-TG. GRCh37 (hg19) VCF-style: chr17-8192165-T-TG.
Other names: c.64dup, p.Ala22fs (NM_001177801.2, NM_001177802.2, NM_001330127.2); c.*768dup (NM_201520.3); c.*43-416dup (NM_001320871.2); short protein forms A22fs.
Identifiers: ClinVar variation 1020321 (VCV001020321.9), dbSNP rs767541224, ClinGen allele CA8374289.

ClinVar aggregate classification (germline): Uncertain significance (1 of 4 stars; one submission).

Conditions:
Cardiac arrhythmia. Also called: Arrhythmia; Cardiac rhythm disease. Identifiers: MedGen C0003811, MONDO:0007263, HP:0011675.

Submission:

Labcorp Genetics (formerly Invitae), Labcorp
Classification: Uncertain significance for Cardiac arrhythmia. Last evaluated: 2020-09-10. Review status: criteria provided, single submitter. Criteria: Invitae Variant Classification Sherloc (09022015). Collection method: clinical testing. Allele origin: germline.
Comment: This sequence change creates a premature translational stop signal (p.Ala22Glyfs*3) in the RANGRF gene. It is expected to result in an absent or disrupted protein product. In summary, the available evidence is currently insufficient to determine the role of this variant in disease. Therefore, it has been classified as a Variant of Uncertain Significance. The current clinical and genetic evidence is not sufficient to establish whether loss-of-function variants in RANGRF cause disease. This variant has not been reported in the literature in individuals with RANGRF-related conditions. The frequency data for this variant in the population databases is considered unreliable, as metrics indicate poor data quality at this position in the ExAC database.